The following is an entry in ClinVar:

ClinVar aggregate classification (germline): Benign/Likely benign. Review status: criteria provided, multiple submitters, no conflicts (2 of 4 stars). 3 submissions from 3 submitters: Benign (1); Likely benign (2). Last evaluated 2024-10-23.

Conditions:
Hereditary cancer-predisposing syndrome. Also called: Neoplastic Syndromes, Hereditary; Hereditary neoplastic syndrome; Hereditary Cancer Syndrome; Tumor predisposition. Identifiers: Orphanet 140162, MedGen C0027672, MeSH D009386, MONDO:0015356.
Birt-Hogg-Dube syndrome 1 (BHD1). Also called: FIBROFOLLICULOMAS WITH TRICHODISCOMAS AND ACROCHORDONS. Identifiers: Orphanet 122, MedGen CN375946, MONDO:0800445, OMIM 135150.
Birt-Hogg-Dube syndrome. Also called: Birt Hogg Dubé syndrome. Identifiers: Orphanet 122, MedGen C0346010, MONDO:0800444.

Submissions (3):

Myriad Genetics, Inc.
Classification: Benign for Birt-Hogg-Dube syndrome 1. Last evaluated: 2024-10-23. Review status: criteria provided, single submitter. Criteria: Myriad Autosomal Dominant, Autosomal Recessive and X-Linked Classification Criteria (2023). Collection method: clinical testing. Allele origin: unknown.
Comment: This variant is considered benign. This variant is a silent/synonymous amino acid change and it is not expected to impact splicing.

Ambry Genetics
Classification: Likely benign for Hereditary cancer-predisposing syndrome. Last evaluated: 2022-04-01. Review status: criteria provided, single submitter. Criteria: Ambry Variant Classification Scheme 2023. Collection method: clinical testing. Allele origin: germline.

Labcorp Genetics (formerly Invitae), Labcorp
Classification: Likely benign for Birt-Hogg-Dube syndrome. Last evaluated: 2021-05-01. Review status: criteria provided, single submitter. Criteria: Invitae Variant Classification Sherloc (09022015). Collection method: clinical testing. Allele origin: germline.

NM_144997.7(FLCN):c.1029G>A (p.Leu343=)

Gene: FLCN (folliculin; minus strand). Cytogenetic location: 17p11.2.
Variant type: single nucleotide variant.
Coding change: c.1029G>A on transcript NM_144997.7 (MANE Select); coding-DNA position 1029, G replaced by A.
Protein change: p.Leu343=; no amino-acid change (leucine 343 retained).
Molecular consequence: synonymous variant.
Genome position (GRCh38, 1-based): chr17:17,219,052, C>T on the plus strand (G>A on the coding strand, the complement: FLCN is on the minus strand). VCF-style: chr17-17219052-C-T. GRCh37 (hg19) VCF-style: chr17-17122366-C-T.
Other names: c.1083G>A, p.Leu361= (NM_001353229.2); c.1029G>A, p.Leu343= (NM_001353230.2, NM_001353231.2).
Identifiers: ClinVar variation 1584411 (VCV001584411.11), dbSNP rs2144893947, ClinGen allele CA498163515.